The following is an entry in ClinVar:

NM_002968.3(SALL1):c.676G>A (p.Val226Ile)

Gene: SALL1 (spalt like transcription factor 1; minus strand). Cytogenetic location: 16q12.1.
Variant type: single nucleotide variant.
Coding change: c.676G>A on transcript NM_002968.3 (MANE Select); coding-DNA position 676, G replaced by A.
Protein change: p.Val226Ile; replaces valine 226 with isoleucine.
Molecular consequence: missense variant.
Genome position (GRCh38, 1-based): chr16:51,141,546, C>T on the plus strand (G>A on the coding strand, the complement: SALL1 is on the minus strand). VCF-style: chr16-51141546-C-T. GRCh37 (hg19) VCF-style: chr16-51175457-C-T.
Other names: c.385G>A, p.Val129Ile (NM_001127892.2); short protein forms V226I, V129I.
Identifiers: ClinVar variation 319612 (VCV000319612.17), dbSNP rs149603480, ClinGen allele CA8053408.
Genomic context (GRCh38, chr16:51,141,546, plus strand): 5'-ATTGCAGCTGGTGGATCTGCTGCTGCTGCAGAGCTAGGAGTTGTTCCATGAGGGCTGGGA[C>T]GGCCAGCTTGCCCCCAGAGGCCCCGCCGCACCTCGCTTCCTGGGAGAACTGGGCCACCGC-3'
Protein context (NP_002959.2, residues 216-236): CGGASGGKLA[Val226Ile]PALMEQLLAL

ClinVar aggregate classification (germline): Conflicting classifications of pathogenicity. Review status: criteria provided, conflicting classifications (1 of 4 stars). 4 submissions from 4 submitters: Uncertain significance (1); Likely benign (3). Last evaluated 2024-12-01.

Conditions:
Townes syndrome (TBS). Also called: Townes-Brocks syndrome. Identifiers: Orphanet 857, MedGen C0265246, MeSH C536974, MONDO:0007142.

Allele frequency attached by ClinVar (database versions not stated): 1000 Genomes Project 30x 0.00016; 1000 Genomes Project 0.00020; gnomAD 0.00025 and 0.00026; TOPMed 0.00025; gnomAD exomes 0.00027 and 0.00049; ExAC 0.00028; ESP Exome Variant Server 0.00038.

Submissions (4):

CeGaT Center for Human Genetics Tuebingen
Classification: Likely benign. Last evaluated: 2024-12-01. Review status: criteria provided, single submitter. Criteria: CeGaT Center For Human Genetics Tuebingen Variant Classification Criteria Version 2. Collection method: clinical testing. Allele origin: germline. Affected: yes. Observed: 1 variant allele.
Comment: SALL1: BP4, BS2

Blueprint Genetics
Classification: Likely benign. Last evaluated: 2024-09-09. Review status: criteria provided, single submitter. Criteria: ACMG Guidelines, 2015. Collection method: clinical testing. Allele origin: germline.

Labcorp Genetics (formerly Invitae), Labcorp
Classification: Uncertain significance for Townes syndrome. Last evaluated: 2024-03-31. Review status: criteria provided, single submitter. Criteria: Invitae Variant Classification Sherloc (09022015). Collection method: clinical testing. Allele origin: germline.
Comment: This sequence change replaces valine, which is neutral and non-polar, with isoleucine, which is neutral and non-polar, at codon 226 of the SALL1 protein (p.Val226Ile). This variant is present in population databases (rs149603480, gnomAD 0.05%), and has an allele count higher than expected for a pathogenic variant. This variant has not been reported in the literature in individuals affected with SALL1-related conditions. ClinVar contains an entry for this variant (Variation ID: 319612). Advanced modeling of protein sequence and biophysical properties (such as structural, functional, and spatial information, amino acid conservation, physicochemical variation, residue mobility, and thermodynamic stability) performed at Invitae indicates that this missense variant is not expected to disrupt SALL1 protein function with a negative predictive value of 80%. In summary, the available evidence is currently insufficient to determine the role of this variant in disease. Therefore, it has been classified as a Variant of Uncertain Significance.

Center for Pediatric Genomic Medicine, Children's Mercy Hospital and Clinics
Classification: Likely benign. Last evaluated: 2017-05-15. Review status: criteria provided, single submitter. Criteria: ACMG Guidelines, 2015. Collection method: clinical testing. Allele origin: germline.